The following is an entry in ClinVar:

NM_015100.4(POGZ):c.1074G>T (p.Met358Ile)

Gene: POGZ (pogo transposable element derived with ZNF domain; minus strand). Cytogenetic location: 1q21.3.
Variant type: single nucleotide variant.
Coding change: c.1074G>T on transcript NM_015100.4 (MANE Select); coding-DNA position 1074, G replaced by T.
Protein change: p.Met358Ile; replaces methionine 358 with isoleucine.
Molecular consequence: missense variant.
Genome position (GRCh38, 1-based): chr1:151,427,827, C>A on the plus strand (G>T on the coding strand, the complement: POGZ is on the minus strand). VCF-style: chr1-151427827-C-A. GRCh37 (hg19) VCF-style: chr1-151400303-C-A.
Other names: c.1047G>T, p.Met349Ile (NM_001194937.2); c.888G>T, p.Met296Ile (NM_001194938.2); c.1095G>T, p.Met365Ile (NM_001410860.1); c.789G>T, p.Met263Ile (NM_145796.4); c.915G>T, p.Met305Ile (NM_207171.2); short protein forms M263I, M296I, M305I, M349I, M358I, M365I.
Identifiers: ClinVar variation 4527245 (VCV004527245.1).

ClinVar aggregate classification (germline): Uncertain significance (1 of 4 stars; one submission).

Submission:

GeneDx
Classification: Uncertain significance. Last evaluated: 2025-04-22. Review status: criteria provided, single submitter. Criteria: GeneDx Variant Classification Process June 2021. Collection method: clinical testing. Allele origin: germline. Affected: yes.
Comment: Not observed at significant frequency in large population cohorts (gnomAD); In silico analysis indicates that this missense variant does not alter protein structure/function; Has not been previously published as pathogenic or benign to our knowledge